The following is an entry in ClinVar:

NM_001079668.3(NKX2-1):c.964_975del (p.His322_Gln325del)

Genes: NKX2-1 (NK2 homeobox 1; minus strand), SFTA3 (surfactant associated 3; minus strand). Cytogenetic location: 14q13.3.
Variant type: Deletion.
Coding change: c.964_975del on transcript NM_001079668.3 (MANE Select); coding-DNA positions 964 to 975, 12 bases deleted (CACCAGGCGCAG).
Protein change: p.His322_Gln325del.
Molecular consequence: inframe deletion.
Genome position (GRCh38, 1-based): chr14:36,517,509-36,517,520, CTGCGCCTGGTG deleted on the plus strand (CACCAGGCGCAG on the coding strand, the reverse complement: NKX2-1 is on the minus strand); deleting any 12 consecutive bases within chr14:36,517,509-36,517,529 gives the same sequence; the c. name uses the placement nearest the transcript's 3' end. VCF-style (leftmost placement, unchanged base first): chr14-36517508-CCTGCGCCTGGTG-C. GRCh37 (hg19) VCF-style: chr14-36986713-CCTGCGCCTGGTG-C.
Other names: c.874_885del, p.His292_Gln295del (NM_003317.4).
Identifiers: ClinVar variation 1320416 (VCV001320416.5), dbSNP rs1064796655, ClinGen allele CA613804722.

ClinVar aggregate classification (germline): Uncertain significance. Review status: criteria provided, multiple submitters, no conflicts (2 of 4 stars). 2 submissions from 2 submitters: Uncertain significance (2). Last evaluated 2023-03-23.

Submissions (2):

Labcorp Genetics (formerly Invitae), Labcorp
Classification: Uncertain significance. Last evaluated: 2023-03-23. Review status: criteria provided, single submitter. Criteria: Invitae Variant Classification Sherloc (09022015). Collection method: clinical testing. Allele origin: germline.
Comment: In summary, the available evidence is currently insufficient to determine the role of this variant in disease. Therefore, it has been classified as a Variant of Uncertain Significance. Experimental studies and prediction algorithms are not available or were not evaluated, and the functional significance of this variant is currently unknown. ClinVar contains an entry for this variant (Variation ID: 1320416). This variant has not been reported in the literature in individuals affected with NKX2-1-related conditions. This variant is not present in population databases (gnomAD no frequency). This variant, c.964_975del, results in the deletion of 4 amino acid(s) of the NKX2-1 protein (p.His322_Gln325del), but otherwise preserves the integrity of the reading frame.

GeneDx
Classification: Uncertain significance. Last evaluated: 2019-05-20. Review status: criteria provided, single submitter. Criteria: GeneDx Variant Classification Process June 2021. Collection method: clinical testing. Allele origin: germline. Affected: yes.
Comment: Not observed in large population cohorts (Lek et al., 2016); In-frame deletion of 4 amino acids in a non-repeat region; In silico analysis, which includes protein predictors and evolutionary conservation, supports that this variant does not alter protein structure/function; Has not been previously published as pathogenic or benign to our knowledge